The following is an entry in ClinVar:

ClinVar aggregate classification (germline): Uncertain significance. Review status: criteria provided, multiple submitters, no conflicts (2 of 4 stars). 3 submissions from 3 submitters: Uncertain significance (3). Last evaluated 2025-10-11.

Allele frequency attached by ClinVar (database versions not stated): gnomAD 0.00001; TOPMed 0.00002; gnomAD exomes 0.00003.
gnomAD v4.1: 42 of 1,595,024 alleles (0.0026%); highest among the groups gnomAD compares: Non-Finnish European, 0.0034%; no homozygotes.

Submissions (3):

GeneDx
Classification: Uncertain significance. Last evaluated: 2025-10-11. Review status: criteria provided, single submitter. Criteria: GeneDx Variant Classification Process June 2021. Collection method: clinical testing. Allele origin: germline. Affected: yes.
Comment: Not observed at significant frequency in large population cohorts (gnomAD); In silico analysis supports that this missense variant has a deleterious effect on protein structure/function; Has not been previously published as pathogenic or benign to our knowledge

Blueprint Genetics
Classification: Uncertain significance. Last evaluated: 2022-09-02. Review status: criteria provided, single submitter. Criteria: ACMG Guidelines, 2015. Collection method: clinical testing. Allele origin: germline.

Labcorp Genetics (formerly Invitae), Labcorp
Classification: Uncertain significance. Last evaluated: 2022-08-22. Review status: criteria provided, single submitter. Criteria: Invitae Variant Classification Sherloc (09022015). Collection method: clinical testing. Allele origin: germline.
Comment: This sequence change replaces glycine, which is neutral and non-polar, with glutamic acid, which is acidic and polar, at codon 2641 of the ADGRV1 protein (p.Gly2641Glu). This variant is present in population databases (no rsID available, gnomAD 0.007%). This variant has not been reported in the literature in individuals affected with ADGRV1-related conditions. ClinVar contains an entry for this variant (Variation ID: 840462). Algorithms developed to predict the effect of missense changes on protein structure and function are either unavailable or do not agree on the potential impact of this missense change (SIFT: "Deleterious"; PolyPhen-2: "Probably Damaging"; Align-GVGD: "Class C0"). In summary, the available evidence is currently insufficient to determine the role of this variant in disease. Therefore, it has been classified as a Variant of Uncertain Significance.

NM_032119.4(ADGRV1):c.7922G>A (p.Gly2641Glu)

Gene: ADGRV1 (adhesion G protein-coupled receptor V1; plus strand). Cytogenetic location: 5q14.3.
Variant type: single nucleotide variant.
Coding change: c.7922G>A on transcript NM_032119.4 (MANE Select); coding-DNA position 7922, G replaced by A.
Protein change: p.Gly2641Glu; replaces glycine 2641 with glutamic acid.
Molecular consequence: missense variant. On other transcripts: non-coding transcript variant (1).
Genome position (GRCh38, 1-based): chr5:90,694,678, G>A. VCF-style: chr5-90694678-G-A. GRCh37 (hg19) VCF-style: chr5-89990495-G-A.
Other names: short protein forms G2641E.
Identifiers: ClinVar variation 840462 (VCV000840462.11), dbSNP rs1471599096, ClinGen allele CA360382578.